The following is an entry in ClinVar:

NM_001371986.1(UNC80):c.2891G>T (p.Gly964Val)

Gene: UNC80 (unc-80 subunit of NALCN channel complex; plus strand). Cytogenetic location: 2q34.
Variant type: single nucleotide variant.
Coding change: c.2891G>T on transcript NM_001371986.1 (MANE Select); coding-DNA position 2891, G replaced by T.
Protein change: p.Gly964Val; replaces glycine 964 with valine.
Molecular consequence: missense variant.
Genome position (GRCh38, 1-based): chr2:209,834,117, G>T. VCF-style: chr2-209834117-G-T. GRCh37 (hg19) VCF-style: chr2-210698841-G-T.
Other names: c.2891G>T, p.Gly964Val (NM_032504.2); c.2876G>T, p.Gly959Val (NM_182587.4); short protein forms G964V, G959V.
Identifiers: ClinVar variation 2486968 (VCV002486968.4), dbSNP rs1208998346, ClinGen allele CA350411679.

ClinVar aggregate classification (germline): Uncertain significance. Review status: criteria provided, multiple submitters, no conflicts (2 of 4 stars). 2 submissions from 2 submitters: Uncertain significance (2). Last evaluated 2026-03-26.

Conditions:
Inborn genetic diseases. Identifiers: MedGen C0950123, MeSH D030342.

Allele frequency attached by ClinVar (database versions not stated): gnomAD exomes 0.00001; TOPMed 0.00002; gnomAD 0.00001.
gnomAD v4.1: 10 of 1,551,588 alleles (0.00064%); highest among the groups gnomAD compares: East Asian, 0.012%; no homozygotes.

Submissions (2):

Dasa
Classification: Uncertain significance. Last evaluated: 2026-03-26. Review status: criteria provided, single submitter. Criteria: DASA Assertion Criteria. Collection method: clinical testing. Allele origin: germline.
Comment: NM_001371986.1(UNC80):c.2891G>T (p.Gly964Val) is a missense variant that results in the substitution of glycine with valine. This variant is rare in population databases. Computational prediction algorithms are consistent with a benign effect. The currently available literature and clinical evidence are not sufficient to establish a definitive association between this variant and the reported condition. Therefore, this variant is classified as a variant of uncertain significance.

Ambry Genetics
Classification: Uncertain significance for Inborn genetic diseases. Last evaluated: 2023-02-22. Review status: criteria provided, single submitter. Criteria: Ambry Variant Classification Scheme 2023. Collection method: clinical testing. Allele origin: germline.